The following is an entry in ClinVar:

NM_198834.3(ACACA):c.2435C>T (p.Ala812Val)

Gene: ACACA (acetyl-CoA carboxylase alpha; minus strand). Cytogenetic location: 17q12.
Variant type: single nucleotide variant.
Coding change: c.2435C>T on transcript NM_198834.3 (MANE Select); coding-DNA position 2435, C replaced by T.
Protein change: p.Ala812Val; replaces alanine 812 with valine.
Molecular consequence: missense variant.
Genome position (GRCh38, 1-based): chr17:37,246,851, G>A on the plus strand (C>T on the coding strand, the complement: ACACA is on the minus strand). VCF-style: chr17-37246851-G-A. GRCh37 (hg19) VCF-style: chr17-35603767-G-A.
Other names: c.2324C>T, p.Ala775Val (NM_198836.3, NM_198839.3); c.2150C>T, p.Ala717Val (NM_198837.2); c.2090C>T, p.Ala697Val (NM_198838.2); short protein forms A697V, A775V, A812V, A717V.
Identifiers: ClinVar variation 4695689 (VCV004695689.1).

ClinVar aggregate classification (germline): Uncertain significance (1 of 4 stars; one submission).

gnomAD v4.1: 17 of 1,613,876 alleles (0.0011%); highest among the groups gnomAD compares: African/African-American, 0.0013%; no homozygotes.

Submission:

Labcorp Genetics (formerly Invitae), Labcorp
Classification: Uncertain significance. Last evaluated: 2026-01-27. Review status: criteria provided, single submitter. Criteria: Invitae Variant Classification Sherloc (09022015). Collection method: clinical testing. Allele origin: germline.
Comment: This sequence change replaces alanine, which is neutral and non-polar, with valine, which is neutral and non-polar, at codon 775 of the ACACA protein (p.Ala775Val). This variant is present in population databases (rs201859870, gnomAD 0.01%). This variant has not been reported in the literature in individuals affected with ACACA-related conditions. An algorithm developed to predict the effect of missense changes on protein structure and function (PolyPhen-2) suggests that this variant is likely to be tolerated. In summary, the available evidence is currently insufficient to determine the role of this variant in disease. Therefore, it has been classified as a Variant of Uncertain Significance.